The following is an entry in ClinVar:

NM_017757.3(ZNF407):c.2174A>C (p.Lys725Thr)

Gene: ZNF407 (zinc finger protein 407; plus strand). Cytogenetic location: 18q22.3.
Variant type: single nucleotide variant.
Coding change: c.2174A>C on transcript NM_017757.3 (MANE Select); coding-DNA position 2174, A replaced by C.
Protein change: p.Lys725Thr; replaces lysine 725 with threonine.
Molecular consequence: missense variant.
Genome position (GRCh38, 1-based): chr18:74,633,193, A>C. VCF-style: chr18-74633193-A-C. GRCh37 (hg19) VCF-style: chr18-72345149-A-C.
Other names: c.2174A>C, p.Lys725Thr (NM_001146189.1, NM_001146190.1, NM_001384475.1); short protein forms K725T.
Identifiers: ClinVar variation 4980674 (VCV004980674.1).
Genomic context (GRCh38, chr18:74,633,193, plus strand): 5'-TTCAGTGTAAGAAGTGTTTTTATAAAACAAGATCTTCTACTGTTCTCACGAGACATATAA[A>C]GCTTCGGCATGGTCAAGACTATCATTTTCTTTGTAAAGCTTGTAATCTTTATTCATTGAG-3'
Protein context (NP_060227.2, residues 715-735): RSSTVLTRHI[Lys725Thr]LRHGQDYHFL

ClinVar aggregate classification (germline): Uncertain significance (1 of 4 stars; one submission).

Conditions:
ZNF407-related disorder. Also called: ZNF407-related condition.

gnomAD v4.1: 159 of 1,613,686 alleles (0.0099%); highest among the groups gnomAD compares: Non-Finnish European, 0.013%; no homozygotes.

Submission:

PreventionGenetics, part of Exact Sciences
Classification: Uncertain significance for ZNF407-related condition. Last evaluated: 2024-12-23. Review status: criteria provided, single submitter. Criteria: ACMG Guidelines, 2015. Collection method: clinical testing. Allele origin: germline.
Comment: The ZNF407 c.2174A>C variant is predicted to result in the amino acid substitution p.Lys725Thr. To our knowledge, this variant has not been reported in the literature. This variant is reported in 0.0098% of alleles in individuals of European (Non-Finnish) descent in gnomAD. At this time, the clinical significance of this variant is uncertain due to the absence of conclusive functional and genetic evidence.